The following is an entry in ClinVar:

NM_001267550.2(TTN):c.46803G>A (p.Trp15601Ter)

Genes: TTN-AS1 (TTN antisense RNA 1; plus strand), TTN (titin; minus strand). Cytogenetic location: 2q31.2.
Variant type: single nucleotide variant.
Coding change: c.46803G>A on transcript NM_001267550.2 (MANE Select); coding-DNA position 46803, G replaced by A.
Protein change: p.Trp15601Ter; replaces tryptophan 15601 with a stop codon.
Molecular consequence: nonsense.
Genome position (GRCh38, 1-based): chr2:178,618,747, C>T on the plus strand (G>A on the coding strand, the complement: TTN is on the minus strand). VCF-style: chr2-178618747-C-T. GRCh37 (hg19) VCF-style: chr2-179483474-C-T.
Other names: c.41880G>A, p.Trp13960Ter (NM_001256850.1); c.19608G>A, p.Trp6536Ter (NM_003319.4); c.39099G>A, p.Trp13033Ter (NM_133378.4); c.19983G>A, p.Trp6661Ter (NM_133432.3); c.20184G>A, p.Trp6728Ter (NM_133437.4); short protein forms W6728*, W13033*, W13960*, W6661*, W6536*, W15601*.
Identifiers: ClinVar variation 662229 (VCV000662229.2), dbSNP rs1576521473, ClinGen allele CA349622238.

ClinVar aggregate classification (germline): Conflicting classifications of pathogenicity. Review status: criteria provided, conflicting classifications (1 of 4 stars). 2 submissions from 2 submitters: Pathogenic (1); Uncertain significance (1). Last evaluated 2025-02-16.

Conditions:
Autosomal recessive limb-girdle muscular dystrophy type 2J (LGMDR10). Also called: Limb-girdle muscular dystrophy, type 2J; MUSCULAR DYSTROPHY, LIMB-GIRDLE, AUTOSOMAL RECESSIVE 10. Identifiers: Orphanet 140922, MedGen C1837342, MONDO:0012127, OMIM 608807.
Dilated cardiomyopathy 1G (CMD1G). Identifiers: Orphanet 154, MedGen C1858763, MONDO:0011400, OMIM 604145.

gnomAD v4.1: 1 of 1,611,740 alleles (0.000062%); highest among the groups gnomAD compares: Non-Finnish European, 0.000085%; no homozygotes.

Submissions (2):

Laboratory of Genetics, Children's Clinical University Hospital Latvia
Classification: Pathogenic. Last evaluated: 2025-02-16. Review status: criteria provided, single submitter. Criteria: ACMG Guidelines, 2015. Collection method: clinical testing. Allele origin: germline. Affected: yes.

Labcorp Genetics (formerly Invitae), Labcorp
Classification: Uncertain significance for Dilated cardiomyopathy 1G; Limb-girdle muscular dystrophy, type 2J. Last evaluated: 2018-12-04. Review status: criteria provided, single submitter. Criteria: Invitae Variant Classification Sherloc (09022015). Collection method: clinical testing. Allele origin: germline.
Comment: This sequence change results in a premature translational stop signal in the TTN gene (p.Trp15601*). While this is not anticipated to result in nonsense mediated decay, it is expected to create a truncated TTN protein. This variant is not present in population databases (ExAC no frequency). This variant has been observed in an individual affected with dilated cardiomyopathy (PMID:Â¬â€ 27532257). This variant is located in the I band of TTN (PMID: 25589632). Truncating variants in this region have been shown to be highly prevalent in the general population and unaffected individuals (PMID: 26701604, 22335739). However, truncating variants in this region have also been reported in individuals affected with autosomal recessive centronuclear myopathy (PMID: 23975875). In summary, the available evidence is currently insufficient to determine the role of this variant in disease. Therefore, it has been classified as a Variant of Uncertain Significance.

Literature cited by the submitters: PubMed 26701604 (cited by Labcorp Genetics (formerly Invitae), Labcorp); PubMed 25589632 (cited by Labcorp Genetics (formerly Invitae), Labcorp); PubMed 23975875 (cited by Labcorp Genetics (formerly Invitae), Labcorp); PubMed 22335739 (cited by Labcorp Genetics (formerly Invitae), Labcorp).